The following is an entry in ClinVar:

NM_000038.6(APC):c.-3_1del (p.Met1fs)

Gene: APC (APC regulator of Wnt signaling pathway; plus strand). Cytogenetic location: 5q22.2.
Variant type: Deletion.
Coding change: c.-3_1del on transcript NM_000038.6 (MANE Select); 3 bases upstream of the start codon through coding-DNA position 1, 4 bases deleted (AGGA; older notation c.-3_1delAGGA).
Protein change: p.Met1fs; shifts the reading frame from methionine 1.
Molecular consequence: frameshift variant, initiator codon variant. On other transcripts: 5 prime UTR variant (1), intron variant (8).
Genome position (GRCh38, 1-based): chr5:112,754,888-112,754,891, AGGA deleted; deleting any 4 consecutive bases within chr5:112,754,887-112,754,891 gives the same sequence; the c. name uses the placement nearest the transcript's 3' end. VCF-style (leftmost placement, unchanged base first): chr5-112754886-CAAGG-C. GRCh37 (hg19) VCF-style: chr5-112090583-CAAGG-C.
Other names: c.-3_1del, p.Met1fs (NM_001127510.3, NM_001354895.2, NM_001354896.2 and 2 more transcripts); c.-1038_-1035del (NM_001354906.2); c.166-11438_166-11435del (NM_001354897.2, NM_001354902.2, NM_001127511.3); c.61-11438_61-11435del (NM_001354898.2, NM_001354904.2); c.-42-11438_-42-11435del (NM_001354900.2, NM_001354901.2, NM_001354905.2); c.-3_1delAGGA (NM_000038.5); short protein forms M1fs.
Identifiers: ClinVar variation 924201 (VCV000924201.7), dbSNP rs1754778863, ClinGen allele CA1139658977.
Genomic context (GRCh38, chr5:112,754,886, plus strand): 5'-ACTAAATTTTTTAGTAGTGAATTTCAAAATCCTTTTTAACCTTATAGGTCCAAGGGTAGC[CAAGG>C]ATGGCTGCAGCTTCATATGATCAGTTGTTAAAGCAAGTTGAGGCACTGAAGATGGAGAAC-3'

ClinVar aggregate classification (germline): Uncertain significance. Review status: criteria provided, multiple submitters, no conflicts (2 of 4 stars). 2 submissions from 2 submitters: Uncertain significance (2). Last evaluated 2025-09-19.

Conditions:
Hereditary cancer-predisposing syndrome. Also called: Neoplastic Syndromes, Hereditary; Tumor predisposition; Hereditary Cancer Syndrome; Hereditary neoplastic syndrome. Identifiers: Orphanet 140162, MedGen C0027672, MeSH D009386, MONDO:0015356.

Submissions (2):

Ambry Genetics
Classification: Uncertain significance for Hereditary cancer-predisposing syndrome. Last evaluated: 2025-09-19. Review status: criteria provided, single submitter. Criteria: Ambry Variant Classification Scheme 2023. Collection method: clinical testing. Allele origin: germline.
Comment: The c.-3_1delAGGA variant, spanning the 5'UTR and coding exon 1 of the APC gene, results in the deletion of four nucleotides from the c.-3 nucleotide position to the nucleotide at position 1. Review of the adjacent preserved sequence indicates that this deletion still preserves the native initiation codon sequence, and, therefore, may or may not result in the translational loss of initiation (p.M1?). Based on the available evidence, the clinical significance of this variant remains unclear.

Color Diagnostics, LLC DBA Color Health
Classification: Uncertain significance for Hereditary cancer-predisposing syndrome. Last evaluated: 2019-06-27. Review status: criteria provided, single submitter. Criteria: ACMG Guidelines, 2015. Collection method: clinical testing. Allele origin: germline.